The following is an entry in ClinVar:

NM_001436401.1(NOBOX):c.1308G>A (p.Pro436=)

Gene: NOBOX (NOBOX oogenesis homeobox; minus strand). Cytogenetic location: 7q35.
Variant type: single nucleotide variant.
Coding change: c.1308G>A on transcript NM_001436401.1 (MANE Select); coding-DNA position 1308, G replaced by A.
Protein change: p.Pro436=; no amino-acid change (proline 436 retained).
Molecular consequence: synonymous variant.
Genome position (GRCh38, 1-based): chr7:144,398,397, C>T on the plus strand (G>A on the coding strand, the complement: NOBOX is on the minus strand). VCF-style: chr7-144398397-C-T. GRCh37 (hg19) VCF-style: chr7-144095490-C-T.
Other names: NM_001080413.3:c.1659G>A; c.756G>A, p.Pro252= (NM_001436402.1).
Identifiers: ClinVar variation 723270 (VCV000723270.25), dbSNP rs991408724, ClinGen allele CA168306377.

ClinVar aggregate classification (germline): Likely benign. Review status: criteria provided, multiple submitters, no conflicts (2 of 4 stars). 2 submissions from 2 submitters: Likely benign (2). Last evaluated 2024-02-01.

Allele frequency attached by ClinVar (database versions not stated): gnomAD 0.00003 and 0.00005; TOPMed 0.00008; gnomAD exomes 0.00013; 1000 Genomes Project 30x 0.00016.
gnomAD v4.1: 47 of 1,537,074 alleles (0.0031%); highest among the groups gnomAD compares: Admixed American, 0.043%; no homozygotes.

Submissions (2):

CeGaT Center for Human Genetics Tuebingen
Classification: Likely benign. Last evaluated: 2024-02-01. Review status: criteria provided, single submitter. Criteria: CeGaT Center For Human Genetics Tuebingen Variant Classification Criteria Version 2. Collection method: clinical testing. Allele origin: germline. Affected: yes. Observed: 1 variant allele.
Comment: NOBOX: BP4, BP7

Labcorp Genetics (formerly Invitae), Labcorp
Classification: Likely benign. Last evaluated: 2018-02-12. Review status: criteria provided, single submitter. Criteria: Invitae Variant Classification Sherloc (09022015). Collection method: clinical testing. Allele origin: germline.